The following is an entry in ClinVar:

ClinVar aggregate classification (germline): Uncertain significance. Review status: criteria provided, multiple submitters, no conflicts (2 of 4 stars). 2 submissions from 2 submitters: Uncertain significance (2). Last evaluated 2026-02-27.

Conditions:
Charcot-Marie-Tooth disease type 4. Also called: Charcot-Marie-Tooth disease, type IV; Charcot-Marie-Tooth, Type 4. Identifiers: Orphanet 64749, MedGen C4082197, MONDO:0018995.

Allele frequency attached by ClinVar (database versions not stated): gnomAD 0.00001; gnomAD exomes 0.00001; TOPMed 0.00001.
gnomAD v4.1: 12 of 1,614,076 alleles (0.00074%); highest among the groups gnomAD compares: East Asian, 0.0022%; no homozygotes.

Submissions (2):

GeneDx
Classification: Uncertain significance. Last evaluated: 2026-02-27. Review status: criteria provided, single submitter. Criteria: GeneDx Variant Classification Process June 2021. Collection method: clinical testing. Allele origin: germline.
Comment: Not observed at significant frequency in large population cohorts (gnomAD); In silico analysis supports that this missense variant has a deleterious effect on protein structure/function; Has not been previously published as pathogenic or benign to our knowledge; This variant is associated with the following publications: (PMID: 22734899)

Labcorp Genetics (formerly Invitae), Labcorp
Classification: Uncertain significance for Charcot-Marie-Tooth disease type 4. Last evaluated: 2019-08-28. Review status: criteria provided, single submitter. Criteria: Invitae Variant Classification Sherloc (09022015). Collection method: clinical testing. Allele origin: germline.
Comment: In summary, the available evidence is currently insufficient to determine the role of this variant in disease. Therefore, it has been classified as a Variant of Uncertain Significance. Algorithms developed to predict the effect of missense changes on protein structure and function output the following: SIFT: "Deleterious"; PolyPhen-2: "Benign"; Align-GVGD: "Class C15". The isoleucine amino acid residue is found in multiple mammalian species, suggesting that this missense change does not adversely affect protein function. These predictions have not been confirmed by published functional studies and their clinical significance is uncertain. This variant has not been reported in the literature in individuals with FGD4-related disease. This variant is not present in population databases (ExAC no frequency). This sequence change replaces threonine with isoleucine at codon 61 of the FGD4 protein (p.Thr61Ile). The threonine residue is moderately conserved and there is a moderate physicochemical difference between threonine and isoleucine.

NM_001370298.3(FGD4):c.593C>T (p.Thr198Ile)

Gene: FGD4 (FYVE, RhoGEF and PH domain containing 4; plus strand). Cytogenetic location: 12p11.21.
Variant type: single nucleotide variant.
Coding change: c.593C>T on transcript NM_001370298.3 (MANE Select); coding-DNA position 593, C replaced by T.
Protein change: p.Thr198Ile; replaces threonine 198 with isoleucine.
Molecular consequence: missense variant. On other transcripts: 5 prime UTR variant (5), non-coding transcript variant (1), intron variant (1).
Genome position (GRCh38, 1-based): chr12:32,582,049, C>T. VCF-style: chr12-32582049-C-T. GRCh37 (hg19) VCF-style: chr12-32734983-C-T.
Other names: c.437C>T, p.Thr146Ile (NM_001304481.2); c.-663C>T (NM_001304483.2); c.-970C>T (NM_001304484.2); c.-98C>T (NM_001330373.2, NM_001330374.2, NM_001384130.1); c.593C>T, p.Thr198Ile (NM_001384126.1); c.182C>T, p.Thr61Ile (NM_001384127.1, NM_001384128.1, NM_001384131.1 and 3 more transcripts); c.49-16448C>T (NM_001370297.1); c.182C>T (NM_139241.2); short protein forms T61I, T146I, T198I.
Identifiers: ClinVar variation 939523 (VCV000939523.8), dbSNP rs1390487641, ClinGen allele CA384355696.
Genomic context (GRCh38, chr12:32,582,049, plus strand): 5'-AAGAGTCTGCTGTGAACCTAAATGCTCCTAGAACCCCAGGAAGGCATGGATTGACAACCA[C>T]ACCTCAACAAAAACTCCTCTCCCAGCACTTGCCACAGAGGCAGGGAAATGATACAGATAA-3'
Protein context (NP_001357227.2, residues 188-208): RTPGRHGLTT[Thr198Ile]PQQKLLSQHL